The following is an entry in ClinVar:

ClinVar aggregate classification (germline): Uncertain significance (1 of 4 stars; one submission).

Submission:

Labcorp Genetics (formerly Invitae), Labcorp
Classification: Uncertain significance. Last evaluated: 2025-07-15. Review status: criteria provided, single submitter. Criteria: Invitae Variant Classification Sherloc (09022015). Collection method: clinical testing. Allele origin: germline.
Comment: This sequence change replaces proline, which is neutral and non-polar, with serine, which is neutral and polar, at codon 426 of the RHOBTB2 protein (p.Pro426Ser). This variant is present in population databases (rs763582578, gnomAD 0.003%). This variant has not been reported in the literature in individuals affected with RHOBTB2-related conditions. Invitae Evidence Modeling of protein sequence and biophysical properties (such as structural, functional, and spatial information, amino acid conservation, physicochemical variation, residue mobility, and thermodynamic stability) indicates that this missense variant is not expected to disrupt RHOBTB2 protein function with a negative predictive value of 80%. In summary, the available evidence is currently insufficient to determine the role of this variant in disease. Therefore, it has been classified as a Variant of Uncertain Significance.

NM_015178.3(RHOBTB2):c.1210C>T (p.Pro404Ser)

Gene: RHOBTB2 (Rho related BTB domain containing 2; plus strand). Cytogenetic location: 8p21.3.
Variant type: single nucleotide variant.
Coding change: c.1210C>T on transcript NM_015178.3 (MANE Select); coding-DNA position 1210, C replaced by T.
Protein change: p.Pro404Ser; replaces proline 404 with serine.
Molecular consequence: missense variant.
Genome position (GRCh38, 1-based): chr8:23,007,455, C>T. VCF-style: chr8-23007455-C-T. GRCh37 (hg19) VCF-style: chr8-22864968-C-T.
Other names: c.1276C>T, p.Pro426Ser (NM_001160036.2); c.1231C>T, p.Pro411Ser (NM_001160037.2); c.1210C>T, p.Pro404Ser (NM_001374791.1); short protein forms P404S, P411S, P426S.
Identifiers: ClinVar variation 4812169 (VCV004812169.1).
Genomic context (GRCh38, chr8:23,007,455, plus strand): 5'-CGTGTGCTGTCTTCCTGGAGCCGAGCTTTTGTGAGCATCCAGGAAGAGATGGCAGAAGAT[C>T]CTCTCACCTACAAATCCCGGCTGATGGTGGTGGTGAAGATGGACAGTTCCATCCAGCCGG-3'
Protein context (NP_055993.2, residues 394-414): VSIQEEMAED[Pro404Ser]LTYKSRLMVV